The following is an entry in ClinVar:

NM_000540.3(RYR1):c.5271C>A (p.His1757Gln)

Gene: RYR1 (ryanodine receptor 1; plus strand). Cytogenetic location: 19q13.2.
Variant type: single nucleotide variant.
Coding change: c.5271C>A on transcript NM_000540.3 (MANE Select); coding-DNA position 5271, C replaced by A.
Protein change: p.His1757Gln; replaces histidine 1757 with glutamine.
Molecular consequence: missense variant.
Genome position (GRCh38, 1-based): chr19:38,485,926, C>A. VCF-style: chr19-38485926-C-A. GRCh37 (hg19) VCF-style: chr19-38976566-C-A.
Other names: c.5271C>A, p.His1757Gln (NM_001042723.2); short protein forms H1757Q.
Identifiers: ClinVar variation 1711985 (VCV001711985.3), dbSNP rs538148538, ClinGen allele CA066826.

ClinVar aggregate classification (germline): Uncertain significance. Review status: criteria provided, multiple submitters, no conflicts (2 of 4 stars). 2 submissions from 2 submitters: Uncertain significance (2). Last evaluated 2023-08-15.

Conditions:
Malignant hyperthermia, susceptibility to, 1 (MHS1). Also called: Anesthesia related hyperthermia; Malignant hyperpyrexia; Fulminating hyperpyrexia; Pharmacogenic myopathy; RYR1-Related Malignant Hyperthermia Susceptibility; Malignant hyperthermia suceptibility 1. Identifiers: Orphanet 423, MedGen C2930980, MONDO:0007783, OMIM 145600.

gnomAD v4.1: 21 of 1,613,686 alleles (0.0013%); highest among the groups gnomAD compares: Non-Finnish European, 0.0018%; no homozygotes.

Submissions (2):

All of Us Research Program, National Institutes of Health
Classification: Uncertain significance for Malignant hyperthermia, susceptibility to, 1. Last evaluated: 2023-08-15. Review status: criteria provided, single submitter. Criteria: ACMG Guidelines, 2015. Collection method: clinical testing. Allele origin: germline. Inheritance: Autosomal dominant inheritance. Observed: 1 variant allele, 1 heterozygote.
Comment: This study involves interpretation of variants in research participants for the purpose of population health screening. Participant phenotype was not available at the time of variant classification. Additional details can be found in publication PMID: 35346344, PMCID: PMC8962531

GeneDx
Classification: Uncertain significance. Last evaluated: 2022-04-22. Review status: criteria provided, single submitter. Criteria: GeneDx Variant Classification Process June 2021. Collection method: clinical testing. Allele origin: germline. Affected: yes.
Comment: Not observed at significant frequency in large population cohorts (gnomAD); In silico analysis supports that this missense variant does not alter protein structure/function; Has not been previously published as pathogenic or benign to our knowledge